The following is an entry in ClinVar:

ClinVar aggregate classification (germline): Uncertain significance. Review status: criteria provided, multiple submitters, no conflicts (2 of 4 stars). 2 submissions from 2 submitters: Uncertain significance (2). Last evaluated 2025-02-28.

Conditions:
Inborn genetic diseases. Identifiers: MedGen C0950123, MeSH D030342.

Submissions (2):

Ambry Genetics
Classification: Uncertain significance for Inborn genetic diseases. Last evaluated: 2025-02-28. Review status: criteria provided, single submitter. Criteria: Ambry Variant Classification Scheme 2023. Collection method: clinical testing. Allele origin: germline.
Comment: The p.L622R variant (also known as c.1865T>G), located in coding exon 1 of the SAMD9L gene, results from a T to G substitution at nucleotide position 1865. The leucine at codon 622 is replaced by arginine, an amino acid with dissimilar properties. This amino acid position is conserved. In addition, this alteration is predicted to be tolerated by in silico analysis. Based on the available evidence, the clinical significance of this variant remains unclear.

Labcorp Genetics (formerly Invitae), Labcorp
Classification: Uncertain significance. Last evaluated: 2024-11-05. Review status: criteria provided, single submitter. Criteria: Invitae Variant Classification Sherloc (09022015). Collection method: clinical testing. Allele origin: germline.
Comment: This sequence change replaces leucine, which is neutral and non-polar, with arginine, which is basic and polar, at codon 622 of the SAMD9L protein (p.Leu622Arg). This variant is not present in population databases (gnomAD no frequency). This variant has not been reported in the literature in individuals affected with SAMD9L-related conditions. ClinVar contains an entry for this variant (Variation ID: 1365708). Invitae Evidence Modeling of protein sequence and biophysical properties (such as structural, functional, and spatial information, amino acid conservation, physicochemical variation, residue mobility, and thermodynamic stability) indicates that this missense variant is not expected to disrupt SAMD9L protein function with a negative predictive value of 80%. In summary, the available evidence is currently insufficient to determine the role of this variant in disease. Therefore, it has been classified as a Variant of Uncertain Significance.

NM_152703.5(SAMD9L):c.1865T>G (p.Leu622Arg)

Gene: SAMD9L (sterile alpha motif domain containing 9 like; minus strand). Cytogenetic location: 7q21.2.
Variant type: single nucleotide variant.
Coding change: c.1865T>G on transcript NM_152703.5 (MANE Select); coding-DNA position 1865, T replaced by G.
Protein change: p.Leu622Arg; replaces leucine 622 with arginine.
Molecular consequence: missense variant.
Genome position (GRCh38, 1-based): chr7:93,134,107, A>C on the plus strand (T>G on the coding strand, the complement: SAMD9L is on the minus strand). VCF-style: chr7-93134107-A-C. GRCh37 (hg19) VCF-style: chr7-92763420-A-C.
Other names: c.1865T>G, p.Leu622Arg (NM_001303496.3, NM_001303497.3, NM_001303498.3 and 5 more transcripts); c.1865T>G (NM_152703.2); short protein forms L622R.
Identifiers: ClinVar variation 1365708 (VCV001365708.9), dbSNP rs2116492822, ClinGen allele CA368194261.